The following is an entry in ClinVar:

NM_001123385.2(BCOR):c.3512C>T (p.Pro1171Leu)

Gene: BCOR (BCL6 corepressor; minus strand). Cytogenetic location: Xp11.4.
Variant type: single nucleotide variant.
Coding change: c.3512C>T on transcript NM_001123385.2 (MANE Select); coding-DNA position 3512, C replaced by T.
Protein change: p.Pro1171Leu; replaces proline 1171 with leucine.
Molecular consequence: missense variant. On other transcripts: intron variant (4).
Genome position (GRCh38, 1-based): chrX:40,063,943, G>A on the plus strand (C>T on the coding strand, the complement: BCOR is on the minus strand). VCF-style: chrX-40063943-G-A. GRCh37 (hg19) VCF-style: chrX-39923196-G-A.
Other names: c.3512C>T, p.Pro1171Leu (NM_001437510.1, NM_001437511.1); c.3458C>T, p.Pro1153Leu (NM_001438207.1); c.3449-93C>T (NM_001123384.2); c.3503-93C>T (NM_001123383.2, NM_001438208.1, NM_017745.6); short protein forms P1171L, P1153L.
Identifiers: ClinVar variation 1031097 (VCV001031097.2), dbSNP rs1474217458, ClinGen allele CA412738709.
Genomic context (GRCh38, chrX:40,063,943, plus strand): 5'-AGCTCACTATAATGTGGGTCTTCTAAGTGGTTAGAGGAACTGTTTGTCATTTCCCTCTCA[G>A]GCCAGTCATCTAATGGAGAAATAACTACAAATTAATCAAAAAGCCCCCCGGGGGGGAACA-3'
Protein context (NP_001116857.1, residues 1161-1181): KRRRVSKDDW[Pro1171Leu]EREMTNSSSN

ClinVar aggregate classification (germline): Uncertain significance. Review status: criteria provided, multiple submitters, no conflicts (2 of 4 stars). 2 submissions from 2 submitters: Uncertain significance (2). Last evaluated 2023-11-10.

Conditions:
Oculofaciocardiodental syndrome (MCOPS2). Identifiers: Orphanet 2712, MedGen C1846265, MONDO:0010261, OMIM 300166.

Allele frequency attached by ClinVar (database versions not stated): gnomAD exomes below 0.00001 and 0.00001; TOPMed 0.00001.
gnomAD v4.1: 2 of 1,197,604 alleles (0.00017%); highest among the groups gnomAD compares: Non-Finnish European, 0.00011%; no homozygotes.

Submissions (2):

Daryl Scott Lab, Baylor College of Medicine
Classification: Uncertain significance for Oculofaciocardiodental syndrome. Last evaluated: 2023-11-10. Review status: criteria provided, single submitter. Criteria: ACMG Guidelines, 2015. Collection method: clinical testing. Allele origin: maternal.

Baylor Genetics
Classification: Uncertain significance for Oculofaciocardiodental syndrome. Last evaluated: 2019-10-28. Review status: criteria provided, single submitter. Criteria: ACMG Guidelines, 2015. Collection method: clinical testing. Allele origin: unknown. Affected: yes.
Comment: This variant was determined to be of uncertain significance according to ACMG Guidelines, 2015 [PMID:25741868].